The following is an entry in ClinVar:

ClinVar aggregate classification (germline): Uncertain significance (1 of 4 stars; one submission).

Conditions:
Retinoblastoma (RB1). Also called: RETINOBLASTOMA, SOMATIC. Identifiers: Orphanet 790, MedGen C0035335, MeSH D012175, MONDO:0008380, OMIM 180200, HP:0009919. Disease mechanism: loss of function. Inheritance: Both sporadic and heritable forms are tested..

Submission:

All of Us Research Program, National Institutes of Health
Classification: Uncertain significance for Retinoblastoma. Last evaluated: 2024-09-23. Review status: criteria provided, single submitter. Criteria: ACMG Guidelines, 2015. Collection method: clinical testing. Allele origin: germline. Inheritance: Autosomal dominant inheritance. Observed: 1 variant allele, 1 heterozygote.
Comment: This study involves interpretation of variants in research participants for the purpose of population health screening. Participant phenotype was not available at the time of variant classification. Additional details can be found in publication PMID: 35346344, PMCID: PMC8962531

NM_000321.3(RB1):c.563C>A (p.Ala188Glu)

Gene: RB1 (RB transcriptional corepressor 1; plus strand). Cytogenetic location: 13q14.2.
Variant type: single nucleotide variant.
Coding change: c.563C>A on transcript NM_000321.3 (MANE Select); coding-DNA position 563, C replaced by A.
Protein change: p.Ala188Glu; replaces alanine 188 with glutamic acid.
Molecular consequence: missense variant.
Genome position (GRCh38, 1-based): chr13:48,348,979, C>A. VCF-style: chr13-48348979-C-A. GRCh37 (hg19) VCF-style: chr13-48923115-C-A.
Other names: c.563C>A, p.Ala188Glu (NM_001407165.1, NM_001407166.1); short protein forms A188E.
Identifiers: ClinVar variation 3387558 (VCV003387558.1).